The following is an entry in ClinVar:

NM_001365613.2(RRBP1):c.1212T>G (p.Gly404=)

Gene: RRBP1 (ribosome binding protein 1; minus strand). Cytogenetic location: 20p12.1.
Variant type: single nucleotide variant.
Coding change: c.1212T>G on transcript NM_001365613.2 (MANE Select); coding-DNA position 1212, T replaced by G.
Protein change: p.Gly404=; no amino-acid change (glycine 404 retained).
Molecular consequence: synonymous variant. On other transcripts: intron variant (2).
Genome position (GRCh38, 1-based): chr20:17,659,296, A>C on the plus strand (T>G on the coding strand, the complement: RRBP1 is on the minus strand). VCF-style: chr20-17659296-A-C. GRCh37 (hg19) VCF-style: chr20-17639941-A-C.
Other names: c.529-607T>G (NM_004587.3, NM_001042576.2).
Identifiers: ClinVar variation 2652216 (VCV002652216.24), dbSNP rs13036886, ClinGen allele CA9773939.

ClinVar aggregate classification (germline): Likely benign (1 of 4 stars; one submission).

Allele frequency attached by ClinVar (database versions not stated): ExAC 0.00012; 1000 Genomes Project 30x 0.00172; gnomAD 0.00749.

Submission:

CeGaT Center for Human Genetics Tuebingen
Classification: Likely benign. Last evaluated: 2023-08-01. Review status: criteria provided, single submitter. Criteria: CeGaT Center For Human Genetics Tuebingen Variant Classification Criteria Version 2. Collection method: clinical testing. Allele origin: germline. Affected: yes. Observed: 1 variant allele.
Comment: RRBP1: BP4, BP7